The following is an entry in ClinVar:

NM_012106.4(ARL2BP):c.269T>A (p.Met90Lys)

Gene: ARL2BP (ARF like GTPase 2 binding protein; plus strand). Cytogenetic location: 16q13.
Variant type: single nucleotide variant.
Coding change: c.269T>A on transcript NM_012106.4 (MANE Select); coding-DNA position 269, T replaced by A.
Protein change: p.Met90Lys; replaces methionine 90 with lysine.
Molecular consequence: missense variant.
Genome position (GRCh38, 1-based): chr16:57,249,828, T>A. VCF-style: chr16-57249828-T-A. GRCh37 (hg19) VCF-style: chr16-57283740-T-A.
Other names: c.269T>A (NM_012106.3); short protein forms M90K.
Identifiers: ClinVar variation 1006216 (VCV001006216.11), dbSNP rs1273675948, ClinGen allele CA396022591.

ClinVar aggregate classification (germline): Uncertain significance. Review status: criteria provided, multiple submitters, no conflicts (2 of 4 stars). 2 submissions from 2 submitters: Uncertain significance (2). Last evaluated 2025-01-06.

Conditions:
Inborn genetic diseases. Identifiers: MedGen C0950123, MeSH D030342.

Submissions (2):

Labcorp Genetics (formerly Invitae), Labcorp
Classification: Uncertain significance. Last evaluated: 2025-01-06. Review status: criteria provided, single submitter. Criteria: Invitae Variant Classification Sherloc (09022015). Collection method: clinical testing. Allele origin: germline.
Comment: This sequence change replaces methionine, which is neutral and non-polar, with lysine, which is basic and polar, at codon 90 of the ARL2BP protein (p.Met90Lys). This variant is not present in population databases (gnomAD no frequency). This variant has not been reported in the literature in individuals affected with ARL2BP-related conditions. ClinVar contains an entry for this variant (Variation ID: 1006216). An algorithm developed to predict the effect of missense changes on protein structure and function (PolyPhen-2) suggests that this variant is likely to be disruptive. In summary, the available evidence is currently insufficient to determine the role of this variant in disease. Therefore, it has been classified as a Variant of Uncertain Significance.

Ambry Genetics
Classification: Uncertain significance for Inborn genetic diseases. Last evaluated: 2024-11-08. Review status: criteria provided, single submitter. Criteria: Ambry Variant Classification Scheme 2023. Collection method: clinical testing. Allele origin: germline.